The following is an entry in ClinVar:

NM_005476.7(GNE):c.1124A>T (p.Lys375Ile)

Gene: GNE (glucosamine (UDP-N-acetyl)-2-epimerase/N-acetylmannosamine kinase; minus strand). Cytogenetic location: 9p13.3.
Variant type: single nucleotide variant.
Coding change: c.1124A>T on transcript NM_005476.7 (MANE Select); coding-DNA position 1124, A replaced by T.
Protein change: p.Lys375Ile; replaces lysine 375 with isoleucine.
Molecular consequence: missense variant.
Genome position (GRCh38, 1-based): chr9:36,227,405, T>A on the plus strand (A>T on the coding strand, the complement: GNE is on the minus strand). VCF-style: chr9-36227405-T-A. GRCh37 (hg19) VCF-style: chr9-36227402-T-A.
Other names: c.1217A>T, p.Lys406Ile (NM_001128227.3); c.1124A>T, p.Lys375Ile (NM_001190383.3); c.794A>T, p.Lys265Ile (NM_001190384.3); c.947A>T, p.Lys316Ile (NM_001190388.2, NM_001374798.1); c.971A>T, p.Lys324Ile (NM_001374797.1); short protein forms K265I, K316I, K324I, K375I, K406I.
Identifiers: ClinVar variation 3762047 (VCV003762047.2).

ClinVar aggregate classification (germline): Uncertain significance (1 of 4 stars; one submission).

Conditions:
Sialuria. Also called: SIALURIA, FRENCH TYPE; Sialic Acid Storage Disease. Identifiers: Orphanet 3166, MedGen C0342853, MONDO:0010028, OMIM 269921.
GNE myopathy (NM). Also called: INCLUSION BODY MYOPATHY, HEREDITARY, AUTOSOMAL RECESSIVE; INCLUSION BODY MYOPATHY 2, AUTOSOMAL RECESSIVE; MYOPATHY, DISTAL, WITH OR WITHOUT RIMMED VACUOLES; NONAKA DISTAL MYOPATHY; IBM 2; Inclusion body myopathy autosomal recessive. Identifiers: Orphanet 602, MedGen C1853926, MONDO:0011603, OMIM 605820.

Submission:

Labcorp Genetics (formerly Invitae), Labcorp
Classification: Uncertain significance for Sialuria; GNE myopathy. Last evaluated: 2024-04-15. Review status: criteria provided, single submitter. Criteria: Invitae Variant Classification Sherloc (09022015). Collection method: clinical testing. Allele origin: germline.
Comment: This sequence change replaces lysine, which is basic and polar, with isoleucine, which is neutral and non-polar, at codon 406 of the GNE protein (p.Lys406Ile). This variant is not present in population databases (gnomAD no frequency). This variant has not been reported in the literature in individuals affected with GNE-related conditions. Advanced modeling of protein sequence and biophysical properties (such as structural, functional, and spatial information, amino acid conservation, physicochemical variation, residue mobility, and thermodynamic stability) has been performed at Invitae for this missense variant, however the output from this modeling did not meet the statistical confidence thresholds required to predict the impact of this variant on GNE protein function. In summary, the available evidence is currently insufficient to determine the role of this variant in disease. Therefore, it has been classified as a Variant of Uncertain Significance.